The following is an entry in ClinVar:

NM_053025.4(MYLK):c.373+4A>T

Gene: MYLK (myosin light chain kinase; minus strand). Cytogenetic location: 3q21.1.
Variant type: single nucleotide variant.
Coding change: c.373+4A>T on transcript NM_053025.4 (MANE Select); 4 bases into the intron after coding-DNA position 373, A replaced by T.
Molecular consequence: intron variant.
Genome position (GRCh38, 1-based): chr3:123,752,327, T>A on the plus strand (A>T on the coding strand, the complement: MYLK is on the minus strand). VCF-style: chr3-123752327-T-A. GRCh37 (hg19) VCF-style: chr3-123471174-T-A.
Other names: c.-155-12326A>T (NM_001321309.2); c.373+4A>T (NM_053028.4, NM_053026.4, NM_053027.4).
Identifiers: ClinVar variation 1697166 (VCV001697166.2), dbSNP rs370148607, ClinGen allele CA2580068657.
Genomic context (GRCh38, chr3:123,752,327, plus strand): 5'-GCTGCAGGCCTTGGGGTAACTGAGAGCTCAGCTCCCTCCTGGACTCGGGCCTCCTGGGAC[T>A]CACCTTCTACTGTCAACTCCACTGTCACCTGGCGAGCACCACTGCCATTGGTGGCTTCAC-3'

ClinVar aggregate classification (germline): Uncertain significance (1 of 4 stars; one submission).

Submission:

GeneDx
Classification: Uncertain significance. Last evaluated: 2022-01-18. Review status: criteria provided, single submitter. Criteria: GeneDx Variant Classification Process June 2021. Collection method: clinical testing. Allele origin: germline. Affected: yes.
Comment: Has not been previously published as pathogenic or benign to our knowledge; Not observed at significant frequency in large population cohorts (gnomAD); In silico analysis supports a deleterious effect on splicing